The following is an entry in ClinVar:

ClinVar aggregate classification (germline): Uncertain significance (1 of 4 stars; one submission).

Submission:

Labcorp Genetics (formerly Invitae), Labcorp
Classification: Uncertain significance. Last evaluated: 2024-03-15. Review status: criteria provided, single submitter. Criteria: Invitae Variant Classification Sherloc (09022015). Collection method: clinical testing. Allele origin: germline.
Comment: This sequence change replaces phenylalanine, which is neutral and non-polar, with isoleucine, which is neutral and non-polar, at codon 490 of the ARHGAP31 protein (p.Phe490Ile). This variant is not present in population databases (gnomAD no frequency). This variant has not been reported in the literature in individuals affected with ARHGAP31-related conditions. An algorithm developed to predict the effect of missense changes on protein structure and function (PolyPhen-2) suggests that this variant is likely to be disruptive. In summary, the available evidence is currently insufficient to determine the role of this variant in disease. Therefore, it has been classified as a Variant of Uncertain Significance.

NM_020754.4(ARHGAP31):c.1468T>A (p.Phe490Ile)

Gene: ARHGAP31 (Rho GTPase activating protein 31; plus strand). Cytogenetic location: 3q13.33.
Variant type: single nucleotide variant.
Coding change: c.1468T>A on transcript NM_020754.4 (MANE Select); coding-DNA position 1468, T replaced by A.
Protein change: p.Phe490Ile; replaces phenylalanine 490 with isoleucine.
Molecular consequence: missense variant.
Genome position (GRCh38, 1-based): chr3:119,402,220, T>A. VCF-style: chr3-119402220-T-A. GRCh37 (hg19) VCF-style: chr3-119121067-T-A.
Other names: short protein forms F490I.
Identifiers: ClinVar variation 2705049 (VCV002705049.3), dbSNP rs2472860472, ClinGen allele CA354039596.